The following is an entry in ClinVar:

Conditions:
Breast-ovarian cancer, familial, susceptibility to, 1 (BROVCA1). Also called: BRCA1 Hereditary Breast and Ovarian Cancer; OVARIAN CANCER, SUSCEPTIBILITY TO. Identifiers: Orphanet 145, MedGen C2676676, MONDO:0011450, OMIM 604370. Disease mechanism: loss of function.

Submission:

Brotman Baty Institute, University of Washington
No classification provided (evidence only). Condition: Breast-ovarian cancer, familial 1. Review status: no classification provided. Collection method: in vitro. Allele origin: not applicable. Functional consequence: functionally_abnormal.
ClinVar note: "not provided" was previously submitted as the classification for the variant. However, the classification appeared to be based only on an observation of functional data so it was converted to no classification on 2025-07-30.

NM_007294.4(BRCA1):c.5125G>T (p.Gly1709Ter)

Gene: BRCA1 (BRCA1 DNA repair associated; minus strand). Cytogenetic location: 17q21.31.
Variant type: single nucleotide variant.
Coding change: c.5125G>T on transcript NM_007294.4 (MANE Select); coding-DNA position 5125, G replaced by T.
Protein change: p.Gly1709Ter; replaces glycine 1709 with a stop codon.
Molecular consequence: nonsense. On other transcripts: non-coding transcript variant (1).
Genome position (GRCh38, 1-based): chr17:43,063,901, C>A on the plus strand (G>T on the coding strand, the complement: BRCA1 is on the minus strand). VCF-style: chr17-43063901-C-A. GRCh37 (hg19) VCF-style: chr17-41215918-C-A.
Other names: c.4915G>T, p.Gly1639Ter (NM_001407879.1, NM_001407881.1, NM_001407882.1 and 5 more transcripts); c.4912G>T, p.Gly1638Ter (NM_001407902.1, NM_001407904.1, NM_001407906.1 and 12 more transcripts); c.4909G>T, p.Gly1637Ter (NM_001407915.1, NM_001407916.1, NM_001407917.1 and 1 more transcripts); c.4858G>T, p.Gly1620Ter (NM_001407927.1, NM_001407928.1, NM_001407929.1 and 4 more transcripts); c.4855G>T, p.Gly1619Ter (NM_001407934.1, NM_001407935.1, NM_001407936.1); c.4792G>T, p.Gly1598Ter (NM_001407946.1, NM_001407947.1, NM_001407948.1 and 1 more transcripts); c.4789G>T, p.Gly1597Ter (NM_001407950.1, NM_001407951.1, NM_001407952.1 and 3 more transcripts); c.4237G>T, p.Gly1413Ter (NM_001407966.1); and 71 more; short protein forms G1709*, G1730*, G1662*, G605*, G1555*, G1581*, G1582*, G1598*.
Identifiers: ClinVar variation 867677 (VCV000867677.3), dbSNP rs886038197, ClinGen allele CA10591288.